The following is an entry in ClinVar:

ClinVar aggregate classification (germline): Uncertain significance (1 of 4 stars; one submission).

Conditions:
Hemolytic uremic syndrome, atypical, 8, with rhizomelic short stature (AHUS8). Identifiers: MedGen C5829585, MONDO:0957495, OMIM 301110.

Submission:

MVZ Praenatalmedizin und Genetik Nuernberg
Classification: Uncertain significance for Hemolytic uremic syndrome, atypical, 8, with rhizomelic short stature. Last evaluated: 2025-06-04. Review status: criteria provided, single submitter. Criteria: ACMG Guidelines, 2015. Collection method: clinical testing. Allele origin: de novo. Affected: yes.
Comment: It likely leads to premature degradation of the mRNA (nonsense-mediated decay, NMD) or to premature truncation of the protein (p.(Lys65*); likely loss of approximately 254 of the 318 amino acids). It has not yet been detected in the general population (gnomAD v2, v4), annotated in the ClinVar database, or described in the literature. In close proximity to the variant, the very similar C1GALT1C1 variant c.202C>T or p.Arg68* was detected de novo in a mosaic in a patient with a suspected glycosylation disorder (Congenital Disorders of Glycosylation, CDG) (PMID:39949072). Subsequently, reduced expression of the C1GALT1C1 protein and impaired O-glycosylation were detected. C1GALT1C1 (alternative name: COSMC) acts as a chaperone for the enzyme C1GALT1 (T-synthase), plays an essential role in the O-glycosylation of glycoproteins in mammals. However, various databases (ClinGen, GenCC, Gene2Phenotype, MorbidGenes) show limited evidence of a disease association. The few pathogenic germline mutations described to date appear to follow a loss-of-function mechanism and presumably lead to the glycosylation disorder C1GALT1C1-CDG or COSMC-CDG, an X-linked inherited disease. In summary, based on the currently limited data available, we assess the variation detected here to be a variant of uncertain clinical significance (VUS) with a pathogenic tendency.

Literature cited by the submitters: PubMed 39949072.

NM_001011551.3(C1GALT1C1):c.192dup (p.Lys65Ter)

Gene: C1GALT1C1 (C1GALT1 specific chaperone 1; minus strand). Cytogenetic location: Xq24.
Variant type: Duplication.
Coding change: c.192dup on transcript NM_001011551.3 (MANE Select); coding-DNA position 192, one base duplicated (T; older notation c.192dupT).
Protein change: p.Lys65Ter; replaces lysine 65 with a stop codon.
Molecular consequence: nonsense.
Genome position (GRCh38, 1-based): chrX:120,626,975, A duplicated on the plus strand (T on the coding strand, the reverse complement: C1GALT1C1 is on the minus strand). VCF-style (leftmost placement, unchanged base first): chrX-120626974-T-TA. GRCh37 (hg19) VCF-style: chrX-119760829-T-TA.
Other names: c.192dup, p.Lys65Ter (NM_152692.5); short protein forms K65*.
Identifiers: ClinVar variation 4813462 (VCV004813462.1).